The following is an entry in ClinVar:

ClinVar aggregate classification (germline): Uncertain significance (1 of 4 stars; one submission).

gnomAD v4.1: 5 of 1,535,314 alleles (0.00033%); highest among the groups gnomAD compares: East Asian, 0.012%; no homozygotes.

Submission:

Labcorp Genetics (formerly Invitae), Labcorp
Classification: Uncertain significance. Last evaluated: 2022-04-10. Review status: criteria provided, single submitter. Criteria: Invitae Variant Classification Sherloc (09022015). Collection method: clinical testing. Allele origin: germline.
Comment: This sequence change falls in intron 2 of the IFNAR1 gene. It does not directly change the encoded amino acid sequence of the IFNAR1 protein. It affects a nucleotide within the consensus splice site. This variant is not present in population databases (gnomAD no frequency). This variant has not been reported in the literature in individuals affected with IFNAR1-related conditions. Variants that disrupt the consensus splice site are a relatively common cause of aberrant splicing (PMID: 17576681, 9536098). Algorithms developed to predict the effect of sequence changes on RNA splicing suggest that this variant may disrupt the consensus splice site. In summary, the available evidence is currently insufficient to determine the role of this variant in disease. Therefore, it has been classified as a Variant of Uncertain Significance.

Literature cited by the submitters: PubMed 17576681; PubMed 9536098.

NM_000629.3(IFNAR1):c.200+5G>T

Gene: IFNAR1 (interferon alpha and beta receptor subunit 1; plus strand). Cytogenetic location: 21q22.11.
Variant type: single nucleotide variant.
Coding change: c.200+5G>T on transcript NM_000629.3 (MANE Select); 5 bases into the intron after coding-DNA position 200, G replaced by T.
Molecular consequence: intron variant.
Genome position (GRCh38, 1-based): chr21:33,335,652, G>T. VCF-style: chr21-33335652-G-T. GRCh37 (hg19) VCF-style: chr21-34707958-G-T.
Other names: c.-8+5G>T (NM_001384504.1); c.-587+5G>T (NM_001384500.1); c.200+5G>T (NM_001384498.1, NM_001384503.1, NM_001384499.1 and 1 more transcripts); c.-184+5G>T (NM_001384502.1).
Identifiers: ClinVar variation 1900213 (VCV001900213.5), dbSNP rs769695335, ClinGen allele CA2386630062.